The following is an entry in ClinVar:

ClinVar aggregate classification (germline): Uncertain significance (1 of 4 stars; one submission).

gnomAD v4.1: 13 of 1,602,372 alleles (0.00081%); highest among the groups gnomAD compares: African/African-American, 0.0054%; no homozygotes.

Submission:

GeneDx
Classification: Uncertain significance. Last evaluated: 2025-01-22. Review status: criteria provided, single submitter. Criteria: GeneDx Variant Classification Process June 2021. Collection method: clinical testing. Allele origin: germline. Affected: yes.
Comment: In silico analysis indicates that this missense variant does not alter protein structure/function; Has not been previously published as pathogenic or benign to our knowledge

NM_001271938.2(MEGF8):c.2899G>A (p.Ala967Thr)

Gene: MEGF8 (multiple EGF like domains 8; plus strand). Cytogenetic location: 19q13.2.
Variant type: single nucleotide variant.
Coding change: c.2899G>A on transcript NM_001271938.2 (MANE Select); coding-DNA position 2899, G replaced by A.
Protein change: p.Ala967Thr; replaces alanine 967 with threonine.
Molecular consequence: missense variant.
Genome position (GRCh38, 1-based): chr19:42,351,472, G>A. VCF-style: chr19-42351472-G-A. GRCh37 (hg19) VCF-style: chr19-42855624-G-A.
Other names: c.2698G>A, p.Ala900Thr (NM_001410.3); short protein forms A900T, A967T.
Identifiers: ClinVar variation 4071755 (VCV004071755.1).